The following is an entry in ClinVar:

NM_006642.5(SDCCAG8):c.1829T>A (p.Leu610Gln)

Gene: SDCCAG8 (SHH signaling and ciliogenesis regulator SDCCAG8; plus strand). Cytogenetic location: 1q43.
Variant type: single nucleotide variant.
Coding change: c.1829T>A on transcript NM_006642.5 (MANE Select); coding-DNA position 1829, T replaced by A.
Protein change: p.Leu610Gln; replaces leucine 610 with glutamine.
Molecular consequence: missense variant.
Genome position (GRCh38, 1-based): chr1:243,418,052, T>A. VCF-style: chr1-243418052-T-A. GRCh37 (hg19) VCF-style: chr1-243581354-T-A.
Other names: c.926T>A, p.Leu309Gln (NM_001350246.2, NM_001350247.2, NM_001350251.2); c.1925T>A, p.Leu642Gln (NM_001350248.2); c.1535T>A, p.Leu512Gln (NM_001350249.2); short protein forms L309Q, L610Q, L642Q, L512Q.
Identifiers: ClinVar variation 4999636 (VCV004999636.1).

ClinVar aggregate classification (germline): Uncertain significance (1 of 4 stars; one submission).

Conditions:
SDCCAG8-related disorder. Also called: SDCCAG8-related condition; SDCCAG8-Related Disorders.

Submission:

PreventionGenetics, part of Exact Sciences
Classification: Uncertain significance for SDCCAG8-related condition. Last evaluated: 2024-12-05. Review status: criteria provided, single submitter. Criteria: ACMG Guidelines, 2015. Collection method: clinical testing. Allele origin: germline.
Comment: The SDCCAG8 c.1829T>A variant is predicted to result in the amino acid substitution p.Leu610Gln. To our knowledge, this variant has not been reported in the literature or in a large population database (gnomAD), indicating this variant is rare. At this time, the clinical significance of this variant is uncertain due to the absence of conclusive functional and genetic evidence.